The following is an entry in ClinVar:

ClinVar aggregate classification (germline): Likely benign (0 of 4 stars; one submission).

Conditions:
SEC23A-related disorder. Also called: SEC23A-related condition.

Allele frequency attached by ClinVar (database versions not stated): gnomAD exomes below 0.00001; TOPMed 0.00001; ExAC 0.00002.
gnomAD v4.1: 5 of 1,612,026 alleles (0.00031%); highest among the groups gnomAD compares: Non-Finnish European, 0.00034%; no homozygotes.

Submission:

PreventionGenetics, part of Exact Sciences
Classification: Likely benign for SEC23A-related condition. Last evaluated: 2020-02-14. Review status: no assertion criteria provided. Collection method: clinical testing. Allele origin: germline.
Comment: This variant is classified as likely benign based on ACMG/AMP sequence variant interpretation guidelines (Richards et al. 2015 PMID: 25741868, with internal and published modifications).

NM_006364.4(SEC23A):c.13T>C (p.Leu5=)

Gene: SEC23A (SEC23 homolog A, COPII coat complex component; minus strand). Cytogenetic location: 14q21.1.
Variant type: single nucleotide variant.
Coding change: c.13T>C on transcript NM_006364.4 (MANE Select); coding-DNA position 13, T replaced by C.
Protein change: p.Leu5=; no amino-acid change (leucine 5 retained).
Molecular consequence: synonymous variant.
Genome position (GRCh38, 1-based): chr14:39,096,106, A>G on the plus strand (T>C on the coding strand, the complement: SEC23A is on the minus strand). VCF-style: chr14-39096106-A-G. GRCh37 (hg19) VCF-style: chr14-39565310-A-G.
Identifiers: ClinVar variation 3051417 (VCV003051417.2), dbSNP rs761848971, ClinGen allele CA7162267.